The following is an entry in ClinVar:

NM_000062.3(SERPING1):c.-24G>C

Gene: SERPING1 (serpin family G member 1; plus strand). Cytogenetic location: 11q12.1.
Variant type: single nucleotide variant.
Coding change: c.-24G>C on transcript NM_000062.3 (MANE Select); 24 bases upstream of the start codon, G replaced by C.
Molecular consequence: 5 prime UTR variant.
Genome position (GRCh38, 1-based): chr11:57,597,721, G>C. VCF-style: chr11-57597721-G-C. GRCh37 (hg19) VCF-style: chr11-57365194-G-C.
Identifiers: ClinVar variation 305014 (VCV000305014.5), dbSNP rs112290300, ClinGen allele CA10631043.
Genomic context (GRCh38, chr11:57,597,721, plus strand): 5'-CTGACCCTGGGGGACTCTCTACTCAGTCTGCACTGGAGCTGCCTGGTGACCAGAAGTTTG[G>C]AGTAGGTTTGGTGCTGGGCAGGGGTGGGGAGTAGGGTGGAAAGCATGGAGTGAAGAGGTC-3'

ClinVar aggregate classification (germline): Benign (1 of 4 stars; one submission).

Conditions:
Hereditary angioedema type 1 (HAE1). Identifiers: Orphanet 100050, Orphanet 100051, Orphanet 91378, MedGen C2717906, MONDO:0015053, OMIM 106100.

Allele frequency attached by ClinVar (database versions not stated): 1000 Genomes Project 0.00200; 1000 Genomes Project 30x 0.00219; gnomAD 0.00016 and 0.00028; TOPMed 0.00046; gnomAD exomes 0.00141.
gnomAD v4.1: 44 of 152,412 alleles (0.029%); highest among the groups gnomAD compares: East Asian, 0.49%; no homozygotes.

Submission:

Illumina Laboratory Services, Illumina
Classification: Benign for Hereditary angioedema type 1. Last evaluated: 2018-01-13. Review status: criteria provided, single submitter. Criteria: ICSL Variant Classification Criteria 13 December 2019. Collection method: clinical testing. Allele origin: germline.
Comment: This variant was observed in the ICSL laboratory as part of a predisposition screen in an ostensibly healthy population. It had not been previously curated by ICSL or reported in the Human Gene Mutation Database (HGMD: prior to June 1st, 2018), and was therefore a candidate for classification through an automated scoring system. Utilizing variant allele frequency, disease prevalence and penetrance estimates, and inheritance mode, an automated score was calculated to assess if this variant is too frequent to cause the disease. Based on the score and internal cut-off values, a variant classified as benign is not then subjected to further curation. The score for this variant resulted in a classification of benign for this disease.